The following is an entry in ClinVar:

NM_022124.6(CDH23):c.3266T>C (p.Phe1089Ser)

Genes: C10orf105 (chromosome 10 open reading frame 105; minus strand), CDH23 (cadherin related 23; plus strand). Cytogenetic location: 10q22.1.
Variant type: single nucleotide variant.
Coding change: c.3266T>C on transcript NM_022124.6 (MANE Select); coding-DNA position 3266, T replaced by C.
Protein change: p.Phe1089Ser; replaces phenylalanine 1089 with serine.
Molecular consequence: missense variant. On other transcripts: 3 prime UTR variant (2).
Genome position (GRCh38, 1-based): chr10:71,712,710, T>C. VCF-style: chr10-71712710-T-C. GRCh37 (hg19) VCF-style: chr10-73472467-T-C.
Other names: c.*3226A>G (NM_001164375.3, NM_001168390.2); c.3266T>C, p.Phe1089Ser (NM_001171930.2); short protein forms F1089S.
Identifiers: ClinVar variation 1353534 (VCV001353534.6), dbSNP rs372378807, ClinGen allele CA5544539.

ClinVar aggregate classification (germline): Uncertain significance. Review status: criteria provided, multiple submitters, no conflicts (2 of 4 stars). 2 submissions from 2 submitters: Uncertain significance (2). Last evaluated 2022-07-12.

gnomAD v4.1: 14 of 1,613,736 alleles (0.00087%); highest among the groups gnomAD compares: Admixed American, 0.023%; no homozygotes.

Submissions (2):

Labcorp Genetics (formerly Invitae), Labcorp
Classification: Uncertain significance. Last evaluated: 2022-07-12. Review status: criteria provided, single submitter. Criteria: Invitae Variant Classification Sherloc (09022015). Collection method: clinical testing. Allele origin: germline.
Comment: This sequence change replaces phenylalanine, which is neutral and non-polar, with serine, which is neutral and polar, at codon 1089 of the CDH23 protein (p.Phe1089Ser). This variant is present in population databases (rs372378807, gnomAD 0.03%). This variant has not been reported in the literature in individuals affected with CDH23-related conditions. ClinVar contains an entry for this variant (Variation ID: 1353534). Algorithms developed to predict the effect of missense changes on protein structure and function are either unavailable or do not agree on the potential impact of this missense change (SIFT: "Deleterious"; PolyPhen-2: "Not Available"; Align-GVGD: "Class C55"). In summary, the available evidence is currently insufficient to determine the role of this variant in disease. Therefore, it has been classified as a Variant of Uncertain Significance.

Blueprint Genetics
Classification: Uncertain significance. Last evaluated: 2021-09-20. Review status: criteria provided, single submitter. Criteria: ACMG Guidelines, 2015. Collection method: clinical testing. Allele origin: germline.